The following is an entry in ClinVar:

ClinVar aggregate classification (germline): association (0 of 4 stars; one submission).

Conditions:
Systemic lupus erythematosus (SLE). Identifiers: Orphanet 536, MedGen C0024141, MONDO:0007915, OMIM 152700, HP:0002725.

Submission:

Clinical Genomics, Uppaluri K&H Personalized Medicine Clinic
Classification: association for Systemic lupus erythematosus. Review status: no assertion criteria provided. Collection method: research. Allele origin: somatic. Affected: yes.
Comment: BLK gene locus is associated with Systemic lupus erythematosus, sjogren's syndrome and other systemic inflammatory conditions.

Literature cited by the submitters: PubMed 29663334.

NM_001715.3(BLK):c.843T>G (p.Phe281Leu)

Genes: BLK-AS1 (BLK antisense RNA 1), BLK (BLK proto-oncogene, Src family tyrosine kinase). Cytogenetic location: 8p23.1.
Variant type: single nucleotide variant.
Coding change: c.843T>G on transcript NM_001715.3 (MANE Select); coding-DNA position 843, T replaced by G.
Protein change: p.Phe281Leu; replaces phenylalanine 281 with leucine.
Molecular consequence: missense variant.
Genome position (GRCh38, 1-based): chr8:11,556,728, T>G. VCF-style: chr8-11556728-T-G. GRCh37 (hg19) VCF-style: chr8-11414237-T-G.
Other names: c.630T>G, p.Phe210Leu (NM_001330465.2); short protein forms F210L, F281L.
Identifiers: ClinVar variation 1676725 (VCV001676725.1), dbSNP rs2306234, ClinGen allele CA370314929.